The following is an entry in ClinVar:

NM_003801.4(GPAA1):c.959G>A (p.Arg320His)

Gene: GPAA1 (glycosylphosphatidylinositol anchor attachment 1; plus strand). Cytogenetic location: 8q24.3.
Variant type: single nucleotide variant.
Coding change: c.959G>A on transcript NM_003801.4 (MANE Select); coding-DNA position 959, G replaced by A.
Protein change: p.Arg320His; replaces arginine 320 with histidine.
Molecular consequence: missense variant.
Genome position (GRCh38, 1-based): chr8:144,084,558, G>A. VCF-style: chr8-144084558-G-A. GRCh37 (hg19) VCF-style: chr8-145139461-G-A.
Other names: short protein forms R320H.
Identifiers: ClinVar variation 1442262 (VCV001442262.6), dbSNP rs373198847, ClinGen allele CA4932983.

ClinVar aggregate classification (germline): Uncertain significance (1 of 4 stars; one submission).

Allele frequency attached by ClinVar (database versions not stated): gnomAD exomes 0.00002 and 0.00004; TOPMed 0.00002; ExAC 0.00003; gnomAD 0.00003 and 0.00005; ESP Exome Variant Server 0.00008; 1000 Genomes Project 0.00040; 1000 Genomes Project 30x 0.00047.
gnomAD v4.1: 34 of 1,613,984 alleles (0.0021%); highest among the groups gnomAD compares: South Asian, 0.0088%; no homozygotes.

Submission:

Labcorp Genetics (formerly Invitae), Labcorp
Classification: Uncertain significance. Last evaluated: 2026-01-26. Review status: criteria provided, single submitter. Criteria: Invitae Variant Classification Sherloc (09022015). Collection method: clinical testing. Allele origin: germline.
Comment: This sequence change replaces arginine, which is basic and polar, with histidine, which is basic and polar, at codon 320 of the GPAA1 protein (p.Arg320His). This variant is present in population databases (rs373198847, gnomAD 0.02%). This variant has not been reported in the literature in individuals affected with GPAA1-related conditions. ClinVar contains an entry for this variant (Variation ID: 1442262). Invitae Evidence Modeling of protein sequence and biophysical properties (such as structural, functional, and spatial information, amino acid conservation, physicochemical variation, residue mobility, and thermodynamic stability) indicates that this missense variant is not expected to disrupt GPAA1 protein function with a negative predictive value of 80%. In summary, the available evidence is currently insufficient to determine the role of this variant in disease. Therefore, it has been classified as a Variant of Uncertain Significance.